The following is an entry in ClinVar:

ClinVar aggregate classification (germline): Uncertain significance (1 of 4 stars; one submission).

Allele frequency attached by ClinVar (database versions not stated): ExAC 0.00002; gnomAD 0.00004; TOPMed 0.00006.
gnomAD v4.1: 23 of 1,613,496 alleles (0.0014%); highest among the groups gnomAD compares: African/African-American, 0.0093%; no homozygotes.

Submission:

Labcorp Genetics (formerly Invitae), Labcorp
Classification: Uncertain significance. Last evaluated: 2024-01-29. Review status: criteria provided, single submitter. Criteria: Invitae Variant Classification Sherloc (09022015). Collection method: clinical testing. Allele origin: germline.
Comment: This sequence change replaces arginine, which is basic and polar, with histidine, which is basic and polar, at codon 2863 of the HSPG2 protein (p.Arg2863His). This variant is present in population databases (rs766365201, gnomAD 0.02%). This variant has not been reported in the literature in individuals affected with HSPG2-related conditions. ClinVar contains an entry for this variant (Variation ID: 2416786). An algorithm developed to predict the effect of missense changes on protein structure and function (PolyPhen-2) suggests that this variant is likely to be tolerated. In summary, the available evidence is currently insufficient to determine the role of this variant in disease. Therefore, it has been classified as a Variant of Uncertain Significance.

NM_005529.7(HSPG2):c.8588G>A (p.Arg2863His)

Gene: HSPG2 (heparan sulfate proteoglycan 2; minus strand). Cytogenetic location: 1p36.12.
Variant type: single nucleotide variant.
Coding change: c.8588G>A on transcript NM_005529.7 (MANE Select); coding-DNA position 8588, G replaced by A.
Protein change: p.Arg2863His; replaces arginine 2863 with histidine.
Molecular consequence: missense variant.
Genome position (GRCh38, 1-based): chr1:21,844,176, C>T on the plus strand (G>A on the coding strand, the complement: HSPG2 is on the minus strand). VCF-style: chr1-21844176-C-T. GRCh37 (hg19) VCF-style: chr1-22170669-C-T.
Other names: c.8591G>A, p.Arg2864His (NM_001291860.2); short protein forms R2863H, R2864H.
Identifiers: ClinVar variation 2416786 (VCV002416786.6), dbSNP rs766365201, ClinGen allele CA670731.